The following is an entry in ClinVar:

ClinVar aggregate classification (germline): Uncertain significance (1 of 4 stars; one submission).

Allele frequency attached by ClinVar (database versions not stated): gnomAD exomes below 0.00001.
gnomAD v4.1: 2 of 1,614,096 alleles (0.00012%); highest among the groups gnomAD compares: Non-Finnish European, 0.00017%; no homozygotes.

Submission:

Laboratory for Molecular Medicine, Mass General Brigham Personalized Medicine
Classification: Uncertain significance. Last evaluated: 2017-02-28. Review status: criteria provided, single submitter. Criteria: LMM Criteria. Collection method: clinical testing. Allele origin: germline. Observed: 1 variant allele.
Comment: The p.Asp964Asn variant in MYO3A has not been previously reported in individuals with hearing loss, or in large population studies. Computational prediction too ls and conservation analysis suggest that the p.Asp964Asn variant may impact the protein, though this information is not predictive enough to determine pathogen icity. In summary, the clinical significance of the p.Asp964Asn variant is uncer tain.

NM_017433.5(MYO3A):c.2890G>A (p.Asp964Asn)

Gene: MYO3A (myosin IIIA; plus strand). Cytogenetic location: 10p12.1.
Variant type: single nucleotide variant.
Coding change: c.2890G>A on transcript NM_017433.5 (MANE Select); coding-DNA position 2890, G replaced by A.
Protein change: p.Asp964Asn; replaces aspartic acid 964 with asparagine.
Molecular consequence: missense variant.
Genome position (GRCh38, 1-based): chr10:26,157,406, G>A. VCF-style: chr10-26157406-G-A. GRCh37 (hg19) VCF-style: chr10-26446335-G-A.
Other names: short protein forms D964N.
Identifiers: ClinVar variation 517264 (VCV000517264.4), dbSNP rs1554836048, ClinGen allele CA376336318.